The following is an entry in ClinVar:

ClinVar aggregate classification (germline): Uncertain significance. Review status: criteria provided, multiple submitters, no conflicts (2 of 4 stars). 4 submissions from 4 submitters: Uncertain significance (4). Last evaluated 2026-03-13.

Conditions:
Inborn genetic diseases. Identifiers: MedGen C0950123, MeSH D030342.

Allele frequency attached by ClinVar (database versions not stated): gnomAD exomes below 0.00001; TOPMed 0.00001; gnomAD 0.00001; ExAC 0.00001.
gnomAD v4.1: 2 of 1,614,102 alleles (0.00012%); highest among the groups gnomAD compares: Admixed American, 0.0033%; no homozygotes.

Submissions (4):

GeneDx
Classification: Uncertain significance. Last evaluated: 2026-03-13. Review status: criteria provided, single submitter. Criteria: GeneDx Variant Classification Process June 2021. Collection method: clinical testing. Allele origin: germline.
Comment: Not observed at significant frequency in large population cohorts (gnomAD); In silico analysis suggests that this missense variant does not alter protein structure/function; Has not been previously published as pathogenic or benign to our knowledge

Ambry Genetics
Classification: Uncertain significance for Inborn genetic diseases. Last evaluated: 2025-04-17. Review status: criteria provided, single submitter. Criteria: Ambry Variant Classification Scheme 2023. Collection method: clinical testing. Allele origin: germline.

Mayo Clinic Laboratories, Mayo Clinic
Classification: Uncertain significance. Last evaluated: 2024-05-04. Review status: criteria provided, single submitter. Criteria: ACMG Guidelines, 2015. Collection method: clinical testing. Allele origin: germline. Observed: 1 variant allele.
Comment: BP4, PM2_moderate

Labcorp Genetics (formerly Invitae), Labcorp
Classification: Uncertain significance. Last evaluated: 2022-02-09. Review status: criteria provided, single submitter. Criteria: Invitae Variant Classification Sherloc (09022015). Collection method: clinical testing. Allele origin: germline.
Comment: This sequence change replaces asparagine, which is neutral and polar, with histidine, which is basic and polar, at codon 5090 of the USH2A protein (p.Asn5090His). This variant is present in population databases (rs777779953, gnomAD 0.003%). This variant has not been reported in the literature in individuals affected with USH2A-related conditions. Algorithms developed to predict the effect of missense changes on protein structure and function (SIFT, PolyPhen-2, Align-GVGD) all suggest that this variant is likely to be tolerated. In summary, the available evidence is currently insufficient to determine the role of this variant in disease. Therefore, it has been classified as a Variant of Uncertain Significance.

NM_206933.4(USH2A):c.15268A>C (p.Asn5090His)

Gene: USH2A (usherin; minus strand). Cytogenetic location: 1q41.
Variant type: single nucleotide variant.
Coding change: c.15268A>C on transcript NM_206933.4 (MANE Select); coding-DNA position 15268, A replaced by C.
Protein change: p.Asn5090His; replaces asparagine 5090 with histidine.
Molecular consequence: missense variant.
Genome position (GRCh38, 1-based): chr1:215,634,488, T>G on the plus strand (A>C on the coding strand, the complement: USH2A is on the minus strand). VCF-style: chr1-215634488-T-G. GRCh37 (hg19) VCF-style: chr1-215807830-T-G.
Other names: p.Asn5090His; c.15268A>C (NM_206933.3, NM_206933.2); short protein forms N5090H.
Identifiers: ClinVar variation 1928941 (VCV001928941.6), dbSNP rs777779953, ClinGen allele CA1392756.